The following is an entry in ClinVar:

ClinVar aggregate classification (germline): Conflicting classifications of pathogenicity. Review status: criteria provided, conflicting classifications (1 of 4 stars). 2 submissions from 2 submitters: Uncertain significance (1); Likely benign (1). Last evaluated 2023-07-01.

Conditions:
Dilated cardiomyopathy 1G (CMD1G). Identifiers: Orphanet 154, MedGen C1858763, MONDO:0011400, OMIM 604145.
Autosomal recessive limb-girdle muscular dystrophy type 2J (LGMDR10). Also called: Limb-girdle muscular dystrophy, type 2J; MUSCULAR DYSTROPHY, LIMB-GIRDLE, AUTOSOMAL RECESSIVE 10. Identifiers: Orphanet 140922, MedGen C1837342, MONDO:0012127, OMIM 608807.

Allele frequency attached by ClinVar (database versions not stated): gnomAD exomes below 0.00001; TOPMed below 0.00001; gnomAD 0.00001.
gnomAD v4.1: 10 of 1,613,500 alleles (0.00062%); highest among the groups gnomAD compares: South Asian, 0.0022%; no homozygotes.

Submissions (2):

CeGaT Center for Human Genetics Tuebingen
Classification: Likely benign. Last evaluated: 2023-07-01. Review status: criteria provided, single submitter. Criteria: CeGaT Center For Human Genetics Tuebingen Variant Classification Criteria Version 2. Collection method: clinical testing. Allele origin: germline. Affected: yes. Observed: 1 variant allele.
Comment: TTN: BP4

Labcorp Genetics (formerly Invitae), Labcorp
Classification: Uncertain significance for Dilated cardiomyopathy 1G; Autosomal recessive limb-girdle muscular dystrophy type 2J. Last evaluated: 2017-08-08. Review status: criteria provided, single submitter. Criteria: Invitae Variant Classification Sherloc (09022015). Collection method: clinical testing. Allele origin: germline.

NM_001267550.2(TTN):c.18589+4C>T

Genes: TTN (titin; minus strand), LOC126806430 (BRD4-independent group 4 enhancer GRCh37_chr2:179593794-179594993; plus strand). Cytogenetic location: 2q31.2.
Variant type: single nucleotide variant.
Coding change: c.18589+4C>T on transcript NM_001267550.2 (MANE Select); 4 bases into the intron after coding-DNA position 18589, C replaced by T.
Molecular consequence: intron variant.
Genome position (GRCh38, 1-based): chr2:178,729,660, G>A on the plus strand (C>T on the coding strand, the complement: TTN is on the minus strand). VCF-style: chr2-178729660-G-A. GRCh37 (hg19) VCF-style: chr2-179594387-G-A.
Other names: c.13282+8422C>T (NM_003319.4); c.13858+8422C>T (NM_133437.4); c.13657+8422C>T (NM_133432.3); c.14857+4C>T (NM_133378.4); c.17638+4C>T (NM_001256850.1).
Identifiers: ClinVar variation 535287 (VCV000535287.28), dbSNP rs1449021840, ClinGen allele CA538437743.
Genomic context (GRCh38, chr2:178,729,660, plus strand): 5'-AAGGGAAGACCCCAAACTTATCAGGCAGCACAGCCAAAATGGAGAATAGATTCCATTCAC[G>A]AACCTTTCACTTTGAGTTCAATGCTGCAGCTCGCCGTGCCTGCGTCATTTCGAGCTTCAC-3'